The following is an entry in ClinVar:

NM_004006.3(DMD):c.4626_4627dup (p.Glu1543fs)

Gene: DMD (dystrophin; minus strand). Cytogenetic location: Xp21.1.
Variant type: Duplication.
Coding change: c.4626_4627dup on transcript NM_004006.3 (MANE Select); coding-DNA positions 4626 to 4627, 2 bases duplicated (TG; older notation c.4626_4627dupTG).
Protein change: p.Glu1543fs; shifts the reading frame from glutamic acid 1543.
Molecular consequence: frameshift variant.
Genome position (GRCh38, 1-based): chrX:32,386,357-32,386,358, CA duplicated on the plus strand (TG on the coding strand, the reverse complement: DMD is on the minus strand). VCF-style (leftmost placement, unchanged base first): chrX-32386356-T-TCA. GRCh37 (hg19) VCF-style: chrX-32404473-T-TCA.
Other names: c.4602_4603dup, p.Glu1535fs (NM_000109.4); c.4614_4615dup, p.Glu1539fs (NM_004009.3); c.4257_4258dup, p.Glu1420fs (NM_004010.3); c.603_604dup, p.Glu202fs (NM_004011.4); c.594_595dup, p.Glu199fs (NM_004012.4); short protein forms E1535fs, E1420fs, E1543fs, E202fs, E1539fs, E199fs.
Identifiers: ClinVar variation 2832230 (VCV002832230.3), dbSNP rs2523041411, ClinGen allele CA2739273359.

ClinVar aggregate classification (germline): Pathogenic (1 of 4 stars; one submission).

Conditions:
Duchenne muscular dystrophy (DMD). Also called: MUSCULAR DYSTROPHY, PSEUDOHYPERTROPHIC PROGRESSIVE, DUCHENNE TYPE; Duchenne Muscular Dystrophy (DMD). Identifiers: Orphanet 98896, MedGen C0013264, MONDO:0010679, OMIM 310200.

Submission:

Labcorp Genetics (formerly Invitae), Labcorp
Classification: Pathogenic for Duchenne muscular dystrophy. Last evaluated: 2023-01-26. Review status: criteria provided, single submitter. Criteria: Invitae Variant Classification Sherloc (09022015). Collection method: clinical testing. Allele origin: germline.
Comment: For these reasons, this variant has been classified as Pathogenic. Algorithms developed to predict the effect of sequence changes on RNA splicing suggest that this variant may disrupt the consensus splice site. This variant has not been reported in the literature in individuals affected with DMD-related conditions. This variant is not present in population databases (gnomAD no frequency). This sequence change creates a premature translational stop signal (p.Glu1543Valfs*4) in the DMD gene. It is expected to result in an absent or disrupted protein product. Loss-of-function variants in DMD are known to be pathogenic (PMID: 16770791, 25007885).

Literature cited by the submitters: PubMed 16770791; PubMed 25007885.